The following is an entry in ClinVar:

NM_001375380.1(EBF3):c.402G>A (p.Met134Ile)

Gene: EBF3 (EBF transcription factor 3; minus strand). Cytogenetic location: 10q26.3.
Variant type: single nucleotide variant.
Coding change: c.402G>A on transcript NM_001375380.1 (MANE Select); coding-DNA position 402, G replaced by A.
Protein change: p.Met134Ile; replaces methionine 134 with isoleucine.
Molecular consequence: missense variant.
Genome position (GRCh38, 1-based): chr10:129,962,180, C>T on the plus strand (G>A on the coding strand, the complement: EBF3 is on the minus strand). VCF-style: chr10-129962180-C-T. GRCh37 (hg19) VCF-style: chr10-131760444-C-T.
Other names: c.402G>A, p.Met134Ile (NM_001005463.3, NM_001375379.1, NM_001375389.1 and 3 more transcripts); short protein forms M134I.
Identifiers: ClinVar variation 1309060 (VCV001309060.2), dbSNP rs2134648860, ClinGen allele CA378910808.

ClinVar aggregate classification (germline): Uncertain significance (1 of 4 stars; one submission).

Submission:

GeneDx
Classification: Uncertain significance. Last evaluated: 2019-10-03. Review status: criteria provided, single submitter. Criteria: GeneDx Variant Classification Process June 2021. Collection method: clinical testing. Allele origin: germline. Affected: yes.
Comment: Not observed in large population cohorts (Lek et al., 2016); In silico analysis, which includes protein predictors and evolutionary conservation, supports that this variant does not alter protein structure/function; Has not been previously published as pathogenic or benign to our knowledge